The following is an entry in ClinVar:

NM_000038.6(APC):c.5820dup (p.Pro1941fs)

Gene: APC (APC regulator of Wnt signaling pathway; plus strand). Cytogenetic location: 5q22.2.
Variant type: Duplication.
Coding change: c.5820dup on transcript NM_000038.6 (MANE Select); coding-DNA position 5820, one base duplicated (A; older notation c.5820dupA).
Protein change: p.Pro1941fs; shifts the reading frame from proline 1941.
Molecular consequence: frameshift variant.
Genome position (GRCh38, 1-based): chr5:112,841,414, A duplicated. VCF-style (leftmost placement, unchanged base first): chr5-112841413-T-TA. GRCh37 (hg19) VCF-style: chr5-112177110-T-TA.
Other names: c.5820dup, p.Pro1941fs (NM_001127510.3, NM_001354895.2); c.5766dup, p.Pro1923fs (NM_001127511.3); c.5874dup, p.Pro1959fs (NM_001354896.2); c.5850dup, p.Pro1951fs (NM_001354897.2); c.5745dup, p.Pro1916fs (NM_001354898.2); c.5736dup, p.Pro1913fs (NM_001354899.2); c.5697dup, p.Pro1900fs (NM_001354900.2); c.5643dup, p.Pro1882fs (NM_001354901.2); and 6 more; short protein forms P1882fs, P1941fs, P1959fs, P1840fs, P1850fs, P1923fs, P1951fs, P1815fs.
Identifiers: ClinVar variation 566205 (VCV000566205.12), dbSNP rs1561602876, ClinGen allele CA645543993.

ClinVar aggregate classification (germline): Pathogenic. Review status: criteria provided, multiple submitters, no conflicts (2 of 4 stars). 3 submissions from 3 submitters: Pathogenic (3). Last evaluated 2024-05-30.

Conditions:
Familial adenomatous polyposis 1 (FAP1). Also called: FAMILIAL ADENOMATOUS POLYPOSIS 1, ATTENUATED; POLYPOSIS, ADENOMATOUS INTESTINAL. Identifiers: MedGen C2713442, MONDO:0021056, OMIM 175100. Disease mechanism: loss of function.
Hereditary cancer-predisposing syndrome. Also called: Neoplastic Syndromes, Hereditary; Tumor predisposition; Hereditary neoplastic syndrome; Hereditary Cancer Syndrome. Identifiers: Orphanet 140162, MedGen C0027672, MeSH D009386, MONDO:0015356.

Submissions (3):

Ambry Genetics
Classification: Pathogenic for Hereditary cancer-predisposing syndrome. Last evaluated: 2024-05-30. Review status: criteria provided, single submitter. Criteria: Ambry Variant Classification Scheme 2023. Collection method: clinical testing. Allele origin: germline.
Comment: The c.5820dupA pathogenic mutation, located in coding exon 15 of the APC gene, results from a duplication of A at nucleotide position 5820, causing a translational frameshift with a predicted alternate stop codon (p.P1941Tfs*8). This alteration occurs at the 3' terminus of theAPC gene, is not expected to trigger nonsense-mediated mRNA decay, and impacts the last 32% of the protein. However, premature stop codons are typically deleterious in nature and a significant portion of the protein is affected (Ambry internal data). This variant is considered to be rare based on population cohorts in the Genome Aggregation Database (gnomAD). Based on the supporting evidence, this variant is interpreted as a disease-causing mutation.

Myriad Genetics, Inc.
Classification: Pathogenic for Familial adenomatous polyposis 1. Last evaluated: 2023-05-15. Review status: criteria provided, single submitter. Criteria: Myriad Autosomal Dominant, Autosomal Recessive and X-Linked Classification Criteria (2023). Collection method: clinical testing. Allele origin: unknown.
Comment: This variant is considered pathogenic. This variant creates a frameshift predicted to result in premature protein truncation.

Labcorp Genetics (formerly Invitae), Labcorp
Classification: Pathogenic for Familial adenomatous polyposis 1. Last evaluated: 2021-06-15. Review status: criteria provided, single submitter. Criteria: Invitae Variant Classification Sherloc (09022015). Collection method: clinical testing. Allele origin: germline.
Comment: For these reasons, this variant has been classified as Pathogenic. This variant is expected to disrupt the EB1 and HDLG binding sites, which mediate interactions with the cytoskeleton (PMID: 15311282, 17293347). While functional studies have not been performed to directly test the effect on APC protein function, this suggests that disruption of the C-terminal portion of the protein is functionally important. A different truncation (p.Tyr2645Lysfs*14) that lies downstream of this variant has been determined to be pathogenic (PMID: 9824584, 1316610, 27081525, 8381579, 22135120, Invitae). This suggests that deletion of this region of the APC protein is causative of disease. This variant has not been reported in the literature in individuals with APC-related conditions. ClinVar contains an entry for this variant (Variation ID: 566205). This variant is not present in population databases (ExAC no frequency). This sequence change creates a premature translational stop signal (p.Pro1941Thrfs*8) in the APC gene. While this is not anticipated to result in nonsense mediated decay, it is expected to disrupt the last 903 amino acid(s) of the APC protein.

Literature cited by the submitters: PubMed 15311282 (cited by Labcorp Genetics (formerly Invitae), Labcorp); PubMed 17293347 (cited by Labcorp Genetics (formerly Invitae), Labcorp); PubMed 9824584 (cited by Labcorp Genetics (formerly Invitae), Labcorp); PubMed 1316610 (cited by Labcorp Genetics (formerly Invitae), Labcorp); PubMed 27081525 (cited by Labcorp Genetics (formerly Invitae), Labcorp); PubMed 8381579 (cited by Labcorp Genetics (formerly Invitae), Labcorp); PubMed 22135120 (cited by Labcorp Genetics (formerly Invitae), Labcorp).